The following is an entry in ClinVar:

ClinVar aggregate classification (germline): Uncertain significance (1 of 4 stars; one submission).

gnomAD v4.1: 1 of 1,587,798 alleles (0.000063%); highest among the groups gnomAD compares: Non-Finnish European, 0.000086%; no homozygotes.

Submission:

CeGaT Center for Human Genetics Tuebingen
Classification: Uncertain significance. Last evaluated: 2026-01-01. Review status: criteria provided, single submitter. Criteria: CeGaT Center For Human Genetics Tuebingen Variant Classification Criteria Version 2. Collection method: clinical testing. Allele origin: germline. Affected: yes. Observed: 1 variant allele.
Comment: WDFY3: PM2, BP4

NM_014991.6(WDFY3):c.8336-3C>T

Gene: WDFY3 (WD repeat and FYVE domain containing 3; minus strand). Cytogenetic location: 4q21.23.
Variant type: single nucleotide variant.
Coding change: c.8336-3C>T on transcript NM_014991.6 (MANE Select); 3 bases into the intron before coding-DNA position 8336, C replaced by T.
Molecular consequence: intron variant.
Genome position (GRCh38, 1-based): chr4:84,704,447, G>A on the plus strand (C>T on the coding strand, the complement: WDFY3 is on the minus strand). VCF-style: chr4-84704447-G-A. GRCh37 (hg19) VCF-style: chr4-85625600-G-A.
Identifiers: ClinVar variation 4822399 (VCV004822399.4).